The following is an entry in ClinVar:

ClinVar aggregate classification (germline): Conflicting classifications of pathogenicity. Review status: criteria provided, conflicting classifications (1 of 4 stars). 2 submissions from 2 submitters: Uncertain significance (1); Likely benign (1). Last evaluated 2025-08-18.

Conditions:
Epidermolysis bullosa simplex 5B, with muscular dystrophy (EBS5B). Also called: Epidermolysis bullosa simplex with muscular dystrophy; EPIDERMOLYSIS BULLOSA SIMPLEX AND LIMB-GIRDLE MUSCULAR DYSTROPHY. Identifiers: Orphanet 257, MedGen C2931072, MONDO:0009181, OMIM 226670.
Epidermolysis bullosa simplex 5C, with pyloric atresia (EBS5C). Also called: PLEC1-Related Epidermolysis Bullosa with Pyloric Atresia; PLEC-Related Epidermolysis Bullosa with Pyloric Atresia; Epidermolysis bullosa simplex with pyloric atresia. Identifiers: Orphanet 158684, MedGen C2677349, MONDO:0012807, OMIM 612138.
Autosomal recessive limb-girdle muscular dystrophy type 2Q (LGMDR17). Also called: MUSCULAR DYSTROPHY, LIMB-GIRDLE, AUTOSOMAL RECESSIVE 17. Identifiers: Orphanet 254361, MedGen C3150989, MONDO:0013390, OMIM 613723.
Epidermolysis bullosa simplex, Ogna type (EBS5A). Also called: Pidermolysis bullosa simplex 5A, Ogna type; EPIDERMOLYSIS BULLOSA SIMPLEX 5A, OGNA TYPE. Identifiers: Orphanet 79401, MedGen C0432317, MONDO:0007555, OMIM 131950.
Epidermolysis bullosa simplex with nail dystrophy (EBS5D). Identifiers: MedGen C4225309, MONDO:0014661, OMIM 616487.

Allele frequency attached by ClinVar (database versions not stated): ESP Exome Variant Server 0.00008; gnomAD 0.00023 and 0.00022; 1000 Genomes Project 0.00040; ExAC 0.00015; TOPMed 0.00022; 1000 Genomes Project 30x 0.00047.
gnomAD v4.1: 69 of 1,593,428 alleles (0.0043%); highest among the groups gnomAD compares: African/African-American, 0.075%; no homozygotes.

Submissions (2):

Labcorp Genetics (formerly Invitae), Labcorp
Classification: Uncertain significance for Autosomal recessive limb-girdle muscular dystrophy type 2Q; Epidermolysis bullosa simplex, Ogna type; Epidermolysis bullosa simplex with nail dystrophy; Epidermolysis bullosa simplex 5C, with pyloric atresia; Epidermolysis bullosa simplex 5B, with muscular dystrophy. Last evaluated: 2025-08-18. Review status: criteria provided, single submitter. Criteria: Invitae Variant Classification Sherloc (09022015). Collection method: clinical testing. Allele origin: germline.
Comment: This sequence change replaces alanine, which is neutral and non-polar, with threonine, which is neutral and polar, at codon 1175 of the PLEC protein (p.Ala1175Thr). This variant is present in population databases (rs370869846, gnomAD 0.09%). This variant has not been reported in the literature in individuals affected with PLEC-related conditions. ClinVar contains an entry for this variant (Variation ID: 1397846). Invitae Evidence Modeling of protein sequence and biophysical properties (such as structural, functional, and spatial information, amino acid conservation, physicochemical variation, residue mobility, and thermodynamic stability) indicates that this missense variant is not expected to disrupt PLEC protein function with a negative predictive value of 80%. In summary, the available evidence is currently insufficient to determine the role of this variant in disease. Therefore, it has been classified as a Variant of Uncertain Significance.

Revvity Omics, Revvity
Classification: Likely benign. Last evaluated: 2023-08-17. Review status: criteria provided, single submitter. Criteria: ACMG Guidelines, 2015. Collection method: clinical testing. Allele origin: germline.

NM_201384.3(PLEC):c.3442G>A (p.Ala1148Thr)

Gene: PLEC (plectin; minus strand). Cytogenetic location: 8q24.3.
Variant type: single nucleotide variant.
Coding change: c.3442G>A on transcript NM_201384.3 (MANE Select); coding-DNA position 3442, G replaced by A.
Protein change: p.Ala1148Thr; replaces alanine 1148 with threonine.
Molecular consequence: missense variant.
Genome position (GRCh38, 1-based): chr8:143,927,724, C>T on the plus strand (G>A on the coding strand, the complement: PLEC is on the minus strand). VCF-style: chr8-143927724-C-T. GRCh37 (hg19) VCF-style: chr8-145001892-C-T.
Other names: c.3523G>A, p.Ala1175Thr (NM_000445.5); c.3400G>A, p.Ala1134Thr (NM_201378.4); c.3376G>A, p.Ala1126Thr (NM_201379.3); c.3853G>A, p.Ala1285Thr (NM_201380.4); c.3346G>A, p.Ala1116Thr (NM_201381.3); c.3442G>A, p.Ala1148Thr (NM_201382.4); c.3454G>A, p.Ala1152Thr (NM_201383.3); c.3523G>A (NM_000445.3); short protein forms A1148T, A1175T, A1285T, A1126T, A1134T, A1152T, A1116T.
Identifiers: ClinVar variation 1397846 (VCV001397846.10), dbSNP rs370869846, ClinGen allele CA4927062.